The following is an entry in ClinVar:

ClinVar aggregate classification (germline): Uncertain significance. Review status: criteria provided, multiple submitters, no conflicts (2 of 4 stars). 3 submissions from 3 submitters: Uncertain significance (3). Last evaluated 2024-01-31.

Conditions:
Episodic kinesigenic dyskinesia (EKD). Also called: Paroxysmal kinesigenic dyskinesia. Identifiers: Orphanet 98809, MedGen C1868682, MONDO:0044202.

Allele frequency attached by ClinVar (database versions not stated): TOPMed below 0.00001; gnomAD 0.00001.

Submissions (3):

GeneDx
Classification: Uncertain significance. Last evaluated: 2024-01-31. Review status: criteria provided, single submitter. Criteria: GeneDx Variant Classification Process June 2021. Collection method: clinical testing. Allele origin: germline. Affected: yes.
Comment: Not observed at significant frequency in large population cohorts (gnomAD); In silico analysis supports that this missense variant does not alter protein structure/function; Has not been previously published as pathogenic or benign to our knowledge

Labcorp Genetics (formerly Invitae), Labcorp
Classification: Uncertain significance for Episodic kinesigenic dyskinesia. Last evaluated: 2022-12-09. Review status: criteria provided, single submitter. Criteria: Invitae Variant Classification Sherloc (09022015). Collection method: clinical testing. Allele origin: germline.
Comment: This variant is not present in population databases (gnomAD no frequency). This sequence change replaces lysine, which is basic and polar, with isoleucine, which is neutral and non-polar, at codon 116 of the PRRT2 protein (p.Lys116Ile). This variant has not been reported in the literature in individuals affected with PRRT2-related conditions. ClinVar contains an entry for this variant (Variation ID: 595501). Advanced modeling of protein sequence and biophysical properties (such as structural, functional, and spatial information, amino acid conservation, physicochemical variation, residue mobility, and thermodynamic stability) performed at Invitae indicates that this missense variant is not expected to disrupt PRRT2 protein function. In summary, the available evidence is currently insufficient to determine the role of this variant in disease. Therefore, it has been classified as a Variant of Uncertain Significance.

Eurofins Ntd Llc (ga)
Classification: Uncertain significance. Last evaluated: 2018-01-16. Review status: criteria provided, single submitter. Criteria: EGL Classification Definitions 2015. Collection method: clinical testing. Allele origin: germline. Observed: 1 variant allele, 1 heterozygote.

NM_145239.3(PRRT2):c.347A>T (p.Lys116Ile)

Genes: MVP-DT (MVP divergent transcript; minus strand), PRRT2 (proline rich transmembrane protein 2; plus strand). Cytogenetic location: 16p11.2.
Variant type: single nucleotide variant.
Coding change: c.347A>T on transcript NM_145239.3 (MANE Select); coding-DNA position 347, A replaced by T.
Protein change: p.Lys116Ile; replaces lysine 116 with isoleucine.
Molecular consequence: missense variant.
Genome position (GRCh38, 1-based): chr16:29,813,401, A>T. VCF-style: chr16-29813401-A-T. GRCh37 (hg19) VCF-style: chr16-29824722-A-T.
Other names: c.347A>T, p.Lys116Ile (NM_001256442.2, NM_001256443.2); short protein forms K116I.
Identifiers: ClinVar variation 595501 (VCV000595501.9), dbSNP rs201468618, ClinGen allele CA280409466.